The following is an entry in ClinVar:

NM_000277.3(PAH):c.851G>A (p.Cys284Tyr)

Genes: PAH (phenylalanine hydroxylase; minus strand), LOC126861615 (CDK7 strongly-dependent group 2 enhancer GRCh37_chr12:103244689-103245888; plus strand). Cytogenetic location: 12q23.2.
Variant type: single nucleotide variant.
Coding change: c.851G>A on transcript NM_000277.3 (MANE Select); coding-DNA position 851, G replaced by A.
Protein change: p.Cys284Tyr; replaces cysteine 284 with tyrosine.
Molecular consequence: missense variant.
Genome position (GRCh38, 1-based): chr12:102,851,748, C>T on the plus strand (G>A on the coding strand, the complement: PAH is on the minus strand). VCF-style: chr12-102851748-C-T. GRCh37 (hg19) VCF-style: chr12-103245526-C-T.
Other names: c.851G>A, p.Cys284Tyr (NM_001354304.2); short protein forms C284Y.
Identifiers: ClinVar variation 4059225 (VCV004059225.2).
Genomic context (GRCh38, chr12:102,851,748, plus strand): 5'-TGGGAAAACTGGGCAAAGCTGCGATCTGAAAACAAGGGCACATGTCCCAACAGCTCATGG[C>T]AGATGTCACTGAAAGACAGAAAGCACAGAGAGCTCGGAGGGGAGGAGGTTTAAGCCAAGC-3'
Protein context (NP_000268.1, residues 274-294): KPMYTPEPDI[Cys284Tyr]HELLGHVPLF

ClinVar aggregate classification (germline): Likely pathogenic (1 of 4 stars; one submission).

Conditions:
Phenylketonuria (PKU). Also called: FOLLING DISEASE; OLIGOPHRENIA PHENYLPYRUVICA; Phenylketonurias; Phenylketonuria (PKU). Identifiers: Orphanet 716, MedGen C0031485, MONDO:0009861, OMIM 261600. Disease mechanism: loss of function.

Submission:

Natera, Inc.
Classification: Likely pathogenic for Phenylketonuria. Last evaluated: 2025-03-11. Review status: criteria provided, single submitter. Criteria: Natera Variant Classification Schema (03/2026). Collection method: clinical testing. Allele origin: germline.
Comment: The c.851G>A variant in PAH is a missense variant predicted to cause substitution of cysteine to tyrosine at amino acid 284. This variant is rare in the general population with a frequency below the threshold expected for the associated phenotype(s). This variant has been observed in one or more individuals affected with the associated recessive disease, as either homozygous or compound heterozygous with a second variant (PMID: 36845377). This variant has been identified in one or more affected individual with a phenotype highly consistent with the associated gene (PMID: 36845377). Computational prediction algorithms indicate this variant is likely to affect gene or protein function. Given the available evidence, this variant is classified as Likely Pathogenic.

Literature cited by the submitters: PubMed 36845377.